The following is an entry in ClinVar:

NM_001953.5(TYMP):c.1437G>A (p.Pro479=)

Genes: SCO2 (synthesis of cytochrome C oxidase 2; minus strand), TYMP (thymidine phosphorylase; minus strand), LOC130067862 (ATAC-STARR-seq lymphoblastoid silent region 13986; plus strand). Cytogenetic location: 22q13.33.
Variant type: single nucleotide variant.
Coding change: c.1437G>A on transcript NM_001953.5 (MANE Select); coding-DNA position 1437, G replaced by A.
Protein change: p.Pro479=; no amino-acid change (proline 479 retained).
Molecular consequence: synonymous variant. On other transcripts: intron variant (2).
Genome position (GRCh38, 1-based): chr22:50,525,782, C>T on the plus strand (G>A on the coding strand, the complement: TYMP is on the minus strand). VCF-style: chr22-50525782-C-T. GRCh37 (hg19) VCF-style: chr22-50964211-C-T.
Other names: c.1437G>A, p.Pro479= (NM_001113755.3, NM_001113756.3, NM_001257988.1); c.1452G>A, p.Pro484= (NM_001257989.1); c.-14+464G>A (NM_001169109.2); c.-14+219G>A (NM_001169110.1).
Identifiers: ClinVar variation 1617629 (VCV001617629.14), dbSNP rs764805032, ClinGen allele CA10321395.

ClinVar aggregate classification (germline): Likely benign. Review status: criteria provided, multiple submitters, no conflicts (2 of 4 stars). 2 submissions from 2 submitters: Likely benign (2). Last evaluated 2025-10-01.

Allele frequency attached by ClinVar (database versions not stated): TOPMed 0.00002; gnomAD exomes below 0.00001; ExAC 0.00001.
gnomAD v4.1: 3 of 1,610,804 alleles (0.00019%); highest among the groups gnomAD compares: South Asian, 0.0022%; no homozygotes.

Submissions (2):

CeGaT Center for Human Genetics Tuebingen
Classification: Likely benign. Last evaluated: 2025-10-01. Review status: criteria provided, single submitter. Criteria: CeGaT Center For Human Genetics Tuebingen Variant Classification Criteria Version 2. Collection method: clinical testing. Allele origin: germline. Affected: yes. Observed: 1 variant allele.
Comment: TYMP: BP4, BP7

Labcorp Genetics (formerly Invitae), Labcorp
Classification: Likely benign. Last evaluated: 2022-08-02. Review status: criteria provided, single submitter. Criteria: Invitae Variant Classification Sherloc (09022015). Collection method: clinical testing. Allele origin: germline.